The following is an entry in ClinVar:

ClinVar aggregate classification (germline): Benign (1 of 4 stars; one submission).

Allele frequency attached by ClinVar (database versions not stated): 1000 Genomes Project 30x 0.16271; 1000 Genomes Project 0.16354; TOPMed 0.20564; gnomAD 0.23002 and 0.23246.
gnomAD v4.1: 34,950 of 152,060 alleles (23%); highest among the groups gnomAD compares: Non-Finnish European, 30%; 4,617 homozygotes.

Submission:

GeneDx
Classification: Benign. Last evaluated: 2018-06-14. Review status: criteria provided, single submitter. Criteria: GeneDx Variant Classification (06012015). Collection method: clinical testing. Allele origin: germline. Affected: yes.
Comment: This variant is considered likely benign or benign based on one or more of the following criteria: it is a conservative change, it occurs at a poorly conserved position in the protein, it is predicted to be benign by multiple in silico algorithms, and/or has population frequency not consistent with disease.

NM_015340.4(LARS2):c.234+294G>A

Gene: LARS2 (leucyl-tRNA synthetase 2, mitochondrial; plus strand). Cytogenetic location: 3p21.31.
Variant type: single nucleotide variant.
Coding change: c.234+294G>A on transcript NM_015340.4 (MANE Select); 294 bases into the intron after coding-DNA position 234, G replaced by A.
Molecular consequence: intron variant.
Genome position (GRCh38, 1-based): chr3:45,394,981, G>A. VCF-style: chr3-45394981-G-A. GRCh37 (hg19) VCF-style: chr3-45436473-G-A.
Other names: c.234+294G>A (NM_001368263.1).
Identifiers: ClinVar variation 684236 (VCV000684236.1), dbSNP rs17637580, ClinGen allele CA11359801.